The following is an entry in ClinVar:

ClinVar aggregate classification (germline): Uncertain significance. Review status: criteria provided, multiple submitters, no conflicts (2 of 4 stars). 2 submissions from 2 submitters: Uncertain significance (2). Last evaluated 2025-12-11.

Allele frequency attached by ClinVar (database versions not stated): ExAC 0.00005; gnomAD exomes 0.00005; TOPMed 0.00005; gnomAD 0.00007 and 0.00008.
gnomAD v4.1: 160 of 1,609,014 alleles (0.0099%); highest among the groups gnomAD compares: Non-Finnish European, 0.012%; no homozygotes.

Submissions (2):

Labcorp Genetics (formerly Invitae), Labcorp
Classification: Uncertain significance. Last evaluated: 2025-12-11. Review status: criteria provided, single submitter. Criteria: Invitae Variant Classification Sherloc (09022015). Collection method: clinical testing. Allele origin: germline.
Comment: This sequence change replaces valine, which is neutral and non-polar, with methionine, which is neutral and non-polar, at codon 610 of the MCM5 protein (p.Val610Met). This variant is present in population databases (rs757174741, gnomAD 0.009%). This variant has not been reported in the literature in individuals affected with MCM5-related conditions. ClinVar contains an entry for this variant (Variation ID: 1439926). Invitae Evidence Modeling of protein sequence and biophysical properties (such as structural, functional, and spatial information, amino acid conservation, physicochemical variation, residue mobility, and thermodynamic stability) has been performed for this missense variant. However, the output from this modeling did not meet the statistical confidence thresholds required to predict the impact of this variant on MCM5 protein function. In summary, the available evidence is currently insufficient to determine the role of this variant in disease. Therefore, it has been classified as a Variant of Uncertain Significance.

Ambry Genetics
Classification: Uncertain significance. Last evaluated: 2023-12-26. Review status: criteria provided, single submitter. Criteria: Ambry Variant Classification Scheme 2023. Collection method: clinical testing. Allele origin: germline.

NM_006739.4(MCM5):c.1828G>A (p.Val610Met)

Gene: MCM5 (minichromosome maintenance complex component 5; plus strand). Cytogenetic location: 22q12.3.
Variant type: single nucleotide variant.
Coding change: c.1828G>A on transcript NM_006739.4 (MANE Select); coding-DNA position 1828, G replaced by A.
Protein change: p.Val610Met; replaces valine 610 with methionine.
Molecular consequence: missense variant.
Genome position (GRCh38, 1-based): chr22:35,420,008, G>A. VCF-style: chr22-35420008-G-A. GRCh37 (hg19) VCF-style: chr22-35816001-G-A.
Other names: c.1828G>A (NM_006739.3); short protein forms V610M.
Identifiers: ClinVar variation 1439926 (VCV001439926.7), dbSNP rs757174741, ClinGen allele CA10205519.